The following is an entry in ClinVar:

NM_002471.4(MYH6):c.1799A>G (p.Asp600Gly)

Gene: MYH6 (myosin heavy chain 6; minus strand). Cytogenetic location: 14q11.2.
Variant type: single nucleotide variant.
Coding change: c.1799A>G on transcript NM_002471.4 (MANE Select); coding-DNA position 1799, A replaced by G.
Protein change: p.Asp600Gly; replaces aspartic acid 600 with glycine.
Molecular consequence: missense variant.
Genome position (GRCh38, 1-based): chr14:23,398,820, T>C on the plus strand (A>G on the coding strand, the complement: MYH6 is on the minus strand). VCF-style: chr14-23398820-T-C. GRCh37 (hg19) VCF-style: chr14-23868029-T-C.
Other names: short protein forms D600G.
Identifiers: ClinVar variation 3901472 (VCV003901472.1).
Genomic context (GRCh38, chr14:23,398,820, plus strand): 5'-GTGGCCATGAGCTTGAGGGAGGACTTCTGGTACAGGGCCACAACAGTCTCGTTGAGAGGA[T>C]CCTTGTTTTTTTCCAGCCAGCCCAGGATGTTGTAGTCCACAGTGCCGGCGTAGTGGATCA-3'
Protein context (NP_002462.2, residues 590-610): NILGWLEKNK[Asp600Gly]PLNETVVALY

ClinVar aggregate classification (germline): Uncertain significance (1 of 4 stars; one submission).

Submission:

GeneDx
Classification: Uncertain significance. Last evaluated: 2024-12-09. Review status: criteria provided, single submitter. Criteria: GeneDx Variant Classification Process June 2021. Collection method: clinical testing. Allele origin: germline. Affected: yes.
Comment: Not observed at significant frequency in large population cohorts (gnomAD); In silico analysis supports that this missense variant has a deleterious effect on protein structure/function; Has not been previously published as pathogenic or benign to our knowledge